The following is an entry in ClinVar:

NM_000350.3(ABCA4):c.4975C>G (p.Gln1659Glu)

Genes: ABCA4 (ATP binding cassette subfamily A member 4; minus strand), LOC126805793 (CDK7 strongly-dependent group 2 enhancer GRCh37_chr1:94486302-94487501; plus strand). Cytogenetic location: 1p22.1.
Variant type: single nucleotide variant.
Coding change: c.4975C>G on transcript NM_000350.3 (MANE Select); coding-DNA position 4975, C replaced by G.
Protein change: p.Gln1659Glu; replaces glutamine 1659 with glutamic acid.
Molecular consequence: missense variant.
Genome position (GRCh38, 1-based): chr1:94,021,283, G>C on the plus strand (C>G on the coding strand, the complement: ABCA4 is on the minus strand). VCF-style: chr1-94021283-G-C. GRCh37 (hg19) VCF-style: chr1-94486839-G-C.
Other names: c.4753C>G, p.Gln1585Glu (NM_001425324.1); short protein forms Q1659E, Q1585E.
Identifiers: ClinVar variation 1911942 (VCV001911942.2), dbSNP rs149324169, ClinGen allele CA957417.

ClinVar aggregate classification (germline): Uncertain significance (1 of 4 stars; one submission).

Allele frequency attached by ClinVar (database versions not stated): gnomAD exomes below 0.00001; ExAC 0.00001; TOPMed 0.00001; ESP Exome Variant Server 0.00008.
gnomAD v4.1: 8 of 1,614,094 alleles (0.0005%); highest among the groups gnomAD compares: Non-Finnish European, 0.00068%; no homozygotes.

Submission:

Labcorp Genetics (formerly Invitae), Labcorp
Classification: Uncertain significance. Last evaluated: 2022-10-24. Review status: criteria provided, single submitter. Criteria: Invitae Variant Classification Sherloc (09022015). Collection method: clinical testing. Allele origin: germline.
Comment: This sequence change replaces glutamine, which is neutral and polar, with glutamic acid, which is acidic and polar, at codon 1659 of the ABCA4 protein (p.Gln1659Glu). This variant is not present in population databases (gnomAD no frequency). This variant has not been reported in the literature in individuals affected with ABCA4-related conditions. Advanced modeling of protein sequence and biophysical properties (such as structural, functional, and spatial information, amino acid conservation, physicochemical variation, residue mobility, and thermodynamic stability) performed at Invitae indicates that this missense variant is expected to disrupt ABCA4 protein function. In summary, the available evidence is currently insufficient to determine the role of this variant in disease. Therefore, it has been classified as a Variant of Uncertain Significance.